The following is an entry in ClinVar:

NM_002226.5(JAG2):c.3702C>T (p.Tyr1234=)

Gene: JAG2 (jagged canonical Notch ligand 2; minus strand). Cytogenetic location: 14q32.33.
Variant type: single nucleotide variant.
Coding change: c.3702C>T on transcript NM_002226.5 (MANE Select); coding-DNA position 3702, C replaced by T.
Protein change: p.Tyr1234=; no amino-acid change (tyrosine 1234 retained).
Molecular consequence: synonymous variant.
Genome position (GRCh38, 1-based): chr14:105,142,710, G>A on the plus strand (C>T on the coding strand, the complement: JAG2 is on the minus strand). VCF-style: chr14-105142710-G-A. GRCh37 (hg19) VCF-style: chr14-105609047-G-A.
Other names: c.3588C>T, p.Tyr1196= (NM_145159.3).
Identifiers: ClinVar variation 4987927 (VCV004987927.2).

ClinVar aggregate classification (germline): Likely benign. Review status: criteria provided, multiple submitters, no conflicts (2 of 4 stars). 2 submissions from 2 submitters: Likely benign (2). Last evaluated 2026-09-01.

Conditions:
JAG2-related disorder. Also called: JAG2-related condition.

gnomAD v4.1: 61 of 1,601,894 alleles (0.0038%); highest among the groups gnomAD compares: Admixed American, 0.071%; no homozygotes.

Submissions (2):

CeGaT Center for Human Genetics Tuebingen
Classification: Likely benign. Last evaluated: 2026-09-01. Review status: criteria provided, single submitter. Criteria: CeGaT Center For Human Genetics Tuebingen Variant Classification Criteria Version 2. Collection method: clinical testing. Allele origin: germline. Affected: yes. Observed: 1 variant allele.
Comment: JAG2: BP4, BP7

PreventionGenetics, part of Exact Sciences
Classification: Likely benign for JAG2-related condition. Last evaluated: 2024-10-10. Review status: criteria provided, single submitter. Criteria: ACMG Guidelines, 2015. Collection method: clinical testing. Allele origin: germline.
Comment: This variant is classified as likely benign based on ACMG/AMP sequence variant interpretation guidelines (Richards et al. 2015 PMID: 25741868, with internal and published modifications).